The following is an entry in ClinVar:

ClinVar aggregate classification (germline): Benign. Review status: criteria provided, multiple submitters, no conflicts (2 of 4 stars). 5 submissions from 4 submitters: Benign (5). Last evaluated 2026-02-04.

Conditions:
Alopecia-intellectual disability syndrome 4. Also called: ALOPECIA-MENTAL RETARDATION SYNDROME 4. Identifiers: MedGen C5394241, MONDO:0030009, OMIM 618840.
Cataract 44 (CTRCT44). Also called: CATARACT 44 AND HYPOTRICHOSIS. Identifiers: Orphanet 91492, Orphanet 98994, MedGen C4225300, MONDO:0014673, OMIM 616509.

Allele frequency attached by ClinVar (database versions not stated): gnomAD 0.38541; 1000 Genomes Project 0.36102; 1000 Genomes Project 30x 0.36524; TOPMed 0.38917; ESP Exome Variant Server 0.40996.
gnomAD v4.1: 621,026 of 1,610,250 alleles (39%); highest among the groups gnomAD compares: African/African-American, 45%; 122,542 homozygotes.

Submissions (5):

Labcorp Genetics (formerly Invitae), Labcorp
Classification: Benign. Last evaluated: 2026-02-04. Review status: criteria provided, single submitter. Criteria: Invitae Variant Classification Sherloc (09022015). Collection method: clinical testing. Allele origin: germline.

Genome-Nilou Lab
Classification: Benign for Cataract 44. Last evaluated: 2021-09-05. Review status: criteria provided, single submitter. Criteria: ACMG Guidelines, 2015. Collection method: clinical testing. Allele origin: germline. Affected: no.

Genome-Nilou Lab
Classification: Benign for Alopecia-intellectual disability syndrome 4. Last evaluated: 2021-09-05. Review status: criteria provided, single submitter. Criteria: ACMG Guidelines, 2015. Collection method: clinical testing. Allele origin: germline. Affected: no.

GeneDx
Classification: Benign. Last evaluated: 2018-03-24. Review status: criteria provided, single submitter. Criteria: GeneDx Variant Classification (06012015). Collection method: clinical testing. Allele origin: germline. Affected: yes.
Comment: This variant is considered likely benign or benign based on one or more of the following criteria: it is a conservative change, it occurs at a poorly conserved position in the protein, it is predicted to be benign by multiple in silico algorithms, and/or has population frequency not consistent with disease.

Breakthrough Genomics
Classification: Benign. Review status: criteria provided, single submitter. Criteria: ACMG Guidelines, 2015. Collection method: not provided. Allele origin: germline. Inheritance: Autosomal recessive inheritance. Affected: yes.

NM_002340.6(LSS):c.864G>C (p.Pro288=)

Gene: LSS (lanosterol synthase; minus strand). Cytogenetic location: 21q22.3.
Variant type: single nucleotide variant.
Coding change: c.864G>C on transcript NM_002340.6 (MANE Select); coding-DNA position 864, G replaced by C.
Protein change: p.Pro288=; no amino-acid change (proline 288 retained).
Molecular consequence: synonymous variant.
Genome position (GRCh38, 1-based): chr21:46,215,713, C>G on the plus strand (G>C on the coding strand, the complement: LSS is on the minus strand). VCF-style: chr21-46215713-C-G. GRCh37 (hg19) VCF-style: chr21-47635627-C-G.
Other names: c.864G>C, p.Pro288= (NM_001001438.3); c.831G>C, p.Pro277= (NM_001145436.2); c.624G>C, p.Pro208= (NM_001145437.2).
Identifiers: ClinVar variation 677174 (VCV000677174.12), dbSNP rs9980968, ClinGen allele CA10075290.